The following is an entry in ClinVar:

ClinVar aggregate classification (germline): Uncertain significance (0 of 4 stars; one submission).

Conditions:
CHD5-related disorder. Also called: CHD5-related condition.

Submission:

PreventionGenetics, part of Exact Sciences
Classification: Uncertain significance for CHD5-related condition. Last evaluated: 2024-09-20. Review status: no assertion criteria provided. Collection method: clinical testing. Allele origin: germline.
Comment: The CHD5 c.5720_5722dupCCG variant is predicted to result in an in-frame duplication (p.Ala1907dup). To our knowledge, this variant has not been reported in the literature or in a large population database, indicating this variant is rare. At this time, the clinical significance of this variant is uncertain due to the absence of conclusive functional and genetic evidence.

NM_015557.3(CHD5):c.5720_5722dup (p.Ala1907_Gly1908insAla)

Gene: CHD5 (chromodomain helicase DNA binding protein 5; minus strand). Cytogenetic location: 1p36.31.
Variant type: Duplication.
Coding change: c.5720_5722dup on transcript NM_015557.3 (MANE Select); coding-DNA positions 5720 to 5722, 3 bases duplicated (CCG; older notation c.5720_5722dupCCG).
Protein change: p.Ala1907_Gly1908insAla.
Molecular consequence: inframe insertion.
Genome position (GRCh38, 1-based): chr1:6,106,636-6,106,638, CGG duplicated on the plus strand (CCG on the coding strand, the reverse complement: CHD5 is on the minus strand); duplicating any 3 consecutive bases within chr1:6,106,636-6,106,640 gives the same sequence; the c. name uses the placement nearest the transcript's 3' end. VCF-style (leftmost placement, unchanged base first): chr1-6106635-C-CCGG. GRCh37 (hg19) VCF-style: chr1-6166695-C-CCGG.
Identifiers: ClinVar variation 3356775 (VCV003356775.1).